The following is an entry in ClinVar:

ClinVar aggregate classification (germline): Uncertain significance (1 of 4 stars; one submission).

gnomAD v4.1: 6 of 1,613,946 alleles (0.00037%); highest among the groups gnomAD compares: East Asian, 0.011%; no homozygotes.

Submission:

Labcorp Genetics (formerly Invitae), Labcorp
Classification: Uncertain significance. Last evaluated: 2024-05-20. Review status: criteria provided, single submitter. Criteria: Invitae Variant Classification Sherloc (09022015). Collection method: clinical testing. Allele origin: germline.
Comment: This sequence change falls in intron 4 of the RNF31 gene. It does not directly change the encoded amino acid sequence of the RNF31 protein. This variant is present in population databases (rs758066109, gnomAD 0.02%). This variant has not been reported in the literature in individuals affected with RNF31-related conditions. Algorithms developed to predict the effect of sequence changes on RNA splicing suggest that this variant may disrupt the consensus splice site. In summary, the available evidence is currently insufficient to determine the role of this variant in disease. Therefore, it has been classified as a Variant of Uncertain Significance.

NM_017999.5(RNF31):c.555+11C>T

Gene: RNF31 (ring finger protein 31; plus strand). Cytogenetic location: 14q12.
Variant type: single nucleotide variant.
Coding change: c.555+11C>T on transcript NM_017999.5 (MANE Select); 11 bases into the intron after coding-DNA position 555, C replaced by T.
Molecular consequence: intron variant.
Genome position (GRCh38, 1-based): chr14:24,148,712, C>T. VCF-style: chr14-24148712-C-T. GRCh37 (hg19) VCF-style: chr14-24617921-C-T.
Other names: c.102+11C>T (NM_001310332.2).
Identifiers: ClinVar variation 3622015 (VCV003622015.2).